The following is an entry in ClinVar:

ClinVar aggregate classification (germline): Likely benign. Review status: criteria provided, single submitter (1 of 4 stars). 2 submissions from 2 submitters: Likely benign (1). 1 of the submissions does not count toward it. Last evaluated 2024-07-23.

Conditions:
TBX2-related disorder. Also called: TBX2-related condition.

Submissions (2):

Blueprint Genetics
Classification: Likely benign. Last evaluated: 2024-07-23. Review status: criteria provided, single submitter. Criteria: ACMG Guidelines, 2015. Collection method: clinical testing. Allele origin: germline.

PreventionGenetics, part of Exact Sciences
Classification: Likely benign for TBX2-related condition. Last evaluated: 2023-10-31. Review status: no assertion criteria provided. Collection method: clinical testing. Allele origin: germline. Not counted in ClinVar's aggregate classification.
Comment: This variant is classified as likely benign based on ACMG/AMP sequence variant interpretation guidelines (Richards et al. 2015 PMID: 25741868, with internal and published modifications).

NM_005994.4(TBX2):c.189GGC[6] (p.Ala71_Glu72insAla)

Gene: TBX2 (T-box transcription factor 2; plus strand). Cytogenetic location: 17q23.2.
Variant type: Microsatellite.
Coding change: c.189GGC[6] on transcript NM_005994.4 (MANE Select); six copies in a row of the 3-base unit GGC starting at c.189; the reference has five copies in a row; one copy, 3 bases duplicated.
Protein change: p.Ala71_Glu72insAla.
Genome position (GRCh38, 1-based): chr17:61,400,377-61,400,379, GGC duplicated; duplicating any 3 consecutive bases within chr17:61,400,363-61,400,379 gives the same sequence; the position shown is the placement nearest the transcript's 3' end. VCF-style (leftmost placement, unchanged base first): chr17-61400362-C-CGCG. GRCh37 (hg19) VCF-style: chr17-59477723-C-CGCG.
Identifiers: ClinVar variation 3055119 (VCV003055119.3), dbSNP rs539663160, ClinGen allele CA400469982.